The following is an entry in ClinVar:

NM_003072.5(SMARCA4):c.734C>T (p.Ala245Val)

Gene: SMARCA4 (SWI/SNF related BAF chromatin remodeling complex subunit ATPase 4; plus strand). Cytogenetic location: 19p13.2.
Variant type: single nucleotide variant.
Coding change: c.734C>T on transcript NM_003072.5 (MANE Select); coding-DNA position 734, C replaced by T.
Protein change: p.Ala245Val; replaces alanine 245 with valine.
Molecular consequence: missense variant. On other transcripts: non-coding transcript variant (1).
Genome position (GRCh38, 1-based): chr19:10,986,567, C>T. VCF-style: chr19-10986567-C-T. GRCh37 (hg19) VCF-style: chr19-11097243-C-T.
Other names: c.734C>T, p.Ala245Val (NM_001128844.3, NM_001128845.2, NM_001128846.2 and 6 more transcripts); c.734C>T (NM_001128849.1); short protein forms A245V.
Identifiers: ClinVar variation 1915315 (VCV001915315.7), dbSNP rs2145785552, ClinGen allele CA404057230.

ClinVar aggregate classification (germline): Uncertain significance. Review status: criteria provided, multiple submitters, no conflicts (2 of 4 stars). 3 submissions from 3 submitters: Uncertain significance (3). Last evaluated 2025-12-23.

Conditions:
Hereditary cancer-predisposing syndrome. Also called: Neoplastic Syndromes, Hereditary; Hereditary Cancer Syndrome; Tumor predisposition; Hereditary neoplastic syndrome. Identifiers: Orphanet 140162, MedGen C0027672, MeSH D009386, MONDO:0015356.
Rhabdoid tumor predisposition syndrome 2 (RTPS2). Identifiers: Orphanet 231108, Orphanet 69077, MedGen C2750074, MONDO:0013224, OMIM 613325.

Submissions (3):

Labcorp Genetics (formerly Invitae), Labcorp
Classification: Uncertain significance for Rhabdoid tumor predisposition syndrome 2. Last evaluated: 2025-12-23. Review status: criteria provided, single submitter. Criteria: Invitae Variant Classification Sherloc (09022015). Collection method: clinical testing. Allele origin: germline.
Comment: This sequence change replaces alanine, which is neutral and non-polar, with valine, which is neutral and non-polar, at codon 245 of the SMARCA4 protein (p.Ala245Val). This variant is not present in population databases (gnomAD no frequency). This variant has not been reported in the literature in individuals affected with SMARCA4-related conditions. ClinVar contains an entry for this variant (Variation ID: 1915315). Invitae Evidence Modeling of protein sequence and biophysical properties (such as structural, functional, and spatial information, amino acid conservation, physicochemical variation, residue mobility, and thermodynamic stability) indicates that this missense variant is not expected to disrupt SMARCA4 protein function with a negative predictive value of 95%. In summary, the available evidence is currently insufficient to determine the role of this variant in disease. Therefore, it has been classified as a Variant of Uncertain Significance.

Ambry Genetics
Classification: Uncertain significance for Hereditary cancer-predisposing syndrome. Last evaluated: 2025-01-14. Review status: criteria provided, single submitter. Criteria: Ambry Variant Classification Scheme 2023. Collection method: clinical testing. Allele origin: germline.
Comment: The p.A245V variant (also known as c.734C>T), located in coding exon 3 of the SMARCA4 gene, results from a C to T substitution at nucleotide position 734. The alanine at codon 245 is replaced by valine, an amino acid with similar properties. This amino acid position is conserved. In addition, this alteration is predicted to be tolerated by in silico analysis. Based on the available evidence, the clinical significance of this variant remains unclear.

Baylor Genetics
Classification: Uncertain significance for Rhabdoid tumor predisposition syndrome 2. Last evaluated: 2023-08-02. Review status: criteria provided, single submitter. Criteria: ACMG Guidelines, 2015. Collection method: clinical testing. Allele origin: unknown.